The following is an entry in ClinVar:

ClinVar aggregate classification (germline): Pathogenic (1 of 4 stars; one submission).

Conditions:
Autosomal recessive limb-girdle muscular dystrophy type R18 (LGMDR18). Also called: Limb-girdle muscular dystrophy, type 2S; MUSCULAR DYSTROPHY, LIMB-GIRDLE, AUTOSOMAL RECESSIVE 18; Autosomal recessive limb-girdle muscular dystrophy type 2S. Identifiers: Orphanet 369840, MedGen C4517996, MONDO:0014144, OMIM 615356.

Submission:

Labcorp Genetics (formerly Invitae), Labcorp
Classification: Pathogenic for Autosomal recessive limb-girdle muscular dystrophy type R18. Last evaluated: 2022-10-28. Review status: criteria provided, single submitter. Criteria: Invitae Variant Classification Sherloc (09022015). Collection method: clinical testing. Allele origin: germline.
Comment: For these reasons, this variant has been classified as Pathogenic. This variant has not been reported in the literature in individuals affected with TRAPPC11-related conditions. This variant is a gross deletion of the genomic region encompassing exon(s) 2 of the TRAPPC11 gene, which includes the initiator codon. This deletion extends beyond the assayed region for this gene and therefore may encompass additional genes. It is expected to result in an absent or disrupted protein product. Loss-of-function variants in TRAPPC11 are known to be pathogenic (PMID: 23830518, 26322222).

Literature cited by the submitters: PubMed 23830518; PubMed 26322222.

NC_000004.11:g.(?_184585021)_(184585244_?)del

Gene: TRAPPC11 (trafficking protein particle complex subunit 11; plus strand). Cytogenetic location: 4q35.1.
Variant type: Deletion.
Identifiers: ClinVar variation 2426695 (VCV002426695.6).